The following is an entry in ClinVar:

ClinVar aggregate classification (germline): Likely benign. Review status: criteria provided, multiple submitters, no conflicts (2 of 4 stars). 2 submissions from 2 submitters: Likely benign (2). Last evaluated 2026-07-01.

Allele frequency attached by ClinVar (database versions not stated): gnomAD exomes below 0.00001 and 0.00001; ExAC 0.00001; gnomAD 0.00001 and 0.00002; 1000 Genomes Project 0.00020; 1000 Genomes Project 30x 0.00031.
gnomAD v4.1: 11 of 1,613,966 alleles (0.00068%); highest among the groups gnomAD compares: African/African-American, 0.0027%; no homozygotes.

Submissions (2):

CeGaT Center for Human Genetics Tuebingen
Classification: Likely benign. Last evaluated: 2026-07-01. Review status: criteria provided, single submitter. Criteria: CeGaT Center For Human Genetics Tuebingen Variant Classification Criteria Version 2. Collection method: clinical testing. Allele origin: germline. Affected: yes. Observed: 1 variant allele.
Comment: XPA: BP4, BP7

Labcorp Genetics (formerly Invitae), Labcorp
Classification: Likely benign. Last evaluated: 2022-09-15. Review status: criteria provided, single submitter. Criteria: Invitae Variant Classification Sherloc (09022015). Collection method: clinical testing. Allele origin: germline.

NM_000380.4(XPA):c.762T>C (p.Asp254=)

Gene: XPA (XPA, DNA damage recognition and repair factor; minus strand). Cytogenetic location: 9q22.33.
Variant type: single nucleotide variant.
Coding change: c.762T>C on transcript NM_000380.4 (MANE Select); coding-DNA position 762, T replaced by C.
Protein change: p.Asp254=; no amino-acid change (aspartic acid 254 retained).
Molecular consequence: synonymous variant. On other transcripts: non-coding transcript variant (5).
Genome position (GRCh38, 1-based): chr9:97,675,499, A>G on the plus strand (T>C on the coding strand, the complement: XPA is on the minus strand). VCF-style: chr9-97675499-A-G. GRCh37 (hg19) VCF-style: chr9-100437781-A-G.
Other names: c.636T>C, p.Asp212= (NM_001354975.2).
Identifiers: ClinVar variation 1560032 (VCV001560032.9), dbSNP rs563633374, ClinGen allele CA5148683.